The following is an entry in ClinVar:

ClinVar aggregate classification (germline): Likely pathogenic. Review status: criteria provided, multiple submitters, no conflicts (2 of 4 stars). 2 submissions from 2 submitters: Likely pathogenic (2). Last evaluated 2018-07-01.

Conditions:
Tubulinopathy. Also called: Tubulinopathies. Identifiers: MedGen CN850169, MONDO:0100153.

Submissions (2):

Institute of Human Genetics, FAU Erlangen, Friedrich-Alexander-Universität Erlangen-Nürnberg
Classification: Likely pathogenic for Tubulinopathies. Last evaluated: 2018-07-01. Review status: criteria provided, single submitter. Criteria: ACMG Guidelines, 2015. Collection method: literature only. Allele origin: germline. Affected: yes. Observed: 1 variant allele.
Comment: The c.887T>C, p.(Phe296Ser) variant has been reported as a variant of germline/unknown origin.

GeneDx
Classification: Likely pathogenic. Last evaluated: 2016-06-07. Review status: criteria provided, single submitter. Criteria: GeneDx Variant Classification (06012015). Collection method: clinical testing. Allele origin: germline. Affected: yes.
Comment: The F296S variant in the TUBA1A gene has not been reported previously as a pathogenic variant, nor as a benign variant, to our knowledge. The F296S variant was not observed in approximately 6500 individuals of European and African American ancestry in the NHLBI Exome Sequencing Project, indicating it is not a common benign variant in these populations. The F296S variant is a non-conservative amino acid substitution, which occurs at a position that is conserved across species, and in silico analysis predicts this variant is probably damaging to the protein structure/function. Missense variants in nearby residues (L286F and V303G) have been reported in the Human Gene Mutation Database in association with lissencephaly (Stenson et al., 2014), supporting the functional importance of this region of the protein. The F296S variant is a strong candidate for a pathogenic variant, however the possibility it may be a rare benign variant cannot be excluded.

Literature cited by the submitters: PubMed 30744660 (cited by Institute of Human Genetics, FAU Erlangen, Friedrich-Alexander-Universität Erlangen-Nürnberg); DOI 10.1101/427948 (cited by Institute of Human Genetics, FAU Erlangen, Friedrich-Alexander-Universität Erlangen-Nürnberg).

NM_006009.4(TUBA1A):c.887T>C (p.Phe296Ser)

Gene: TUBA1A (tubulin alpha 1a; minus strand). Cytogenetic location: 12q13.12.
Variant type: single nucleotide variant.
Coding change: c.887T>C on transcript NM_006009.4 (MANE Select); coding-DNA position 887, T replaced by C.
Protein change: p.Phe296Ser; replaces phenylalanine 296 with serine.
Molecular consequence: missense variant.
Genome position (GRCh38, 1-based): chr12:49,185,479, A>G on the plus strand (T>C on the coding strand, the complement: TUBA1A is on the minus strand). VCF-style: chr12-49185479-A-G. GRCh37 (hg19) VCF-style: chr12-49579262-A-G.
Other names: c.887T>C, p.Phe296Ser (NM_001270399.2); c.782T>C, p.Phe261Ser (NM_001270400.2); short protein forms F296S, F261S.
Identifiers: ClinVar variation 429793 (VCV000429793.3), dbSNP rs1131691597, ClinGen allele CA384638824.
Genomic context (GRCh38, chr12:49,185,479, plus strand): 5'-CAGCAAGCCATGTATTTACCATGGCGAGGGTCACATTTCACCATCTGGTTGGCTGGCTCA[A>G]AGCAAGCATTGGTGATCTCTGCTACAGAAAGCTGTTCATGGTAGGCTTTCTCAGCAGAGA-3'
Protein context (NP_006000.2, residues 286-306): LSVAEITNAC[Phe296Ser]EPANQMVKCD